The following is an entry in ClinVar:

ClinVar aggregate classification (germline): Uncertain significance (1 of 4 stars; one submission).

Conditions:
Inborn genetic diseases. Identifiers: MedGen C0950123, MeSH D030342.

Allele frequency attached by ClinVar (database versions not stated): ExAC 0.00001; gnomAD exomes 0.00001.
gnomAD v4.1: 5 of 1,498,744 alleles (0.00033%); highest among the groups gnomAD compares: South Asian, 0.0011%; no homozygotes.

Submission:

Ambry Genetics
Classification: Uncertain significance for Inborn genetic diseases. Last evaluated: 2021-12-08. Review status: criteria provided, single submitter. Criteria: Ambry Variant Classification Scheme 2023. Collection method: clinical testing. Allele origin: germline.
Comment: The c.377+1A>G intronic variant results from an A to G substitution one nucleotide after coding exon 2 of the SCN9A gene. This nucleotide position is highly conserved in available vertebrate species. This alteration is located within a U12-type intron and in silico tools are not reliable predictors of splice sites in this type of intron. Since supporting evidence is limited at this time, the clinical significance of this alteration remains unclear.

NM_001365536.1(SCN9A):c.377+1A>G

Gene: SCN9A (sodium voltage-gated channel alpha subunit 9; minus strand). Cytogenetic location: 2q24.3.
Variant type: single nucleotide variant.
Coding change: c.377+1A>G on transcript NM_001365536.1 (MANE Select); the canonical splice donor site of the intron after coding-DNA position 377, A replaced by G.
Molecular consequence: splice donor variant.
Genome position (GRCh38, 1-based): chr2:166,306,955, T>C on the plus strand (A>G on the coding strand, the complement: SCN9A is on the minus strand). VCF-style: chr2-166306955-T-C. GRCh37 (hg19) VCF-style: chr2-167163465-T-C.
Other names: c.377+1A>G (NM_002977.4).
Identifiers: ClinVar variation 1734758 (VCV001734758.2), dbSNP rs779164966, ClinGen allele CA1944815.